The following is an entry in ClinVar:

ClinVar aggregate classification (germline): Uncertain significance (1 of 4 stars; one submission).

Conditions:
PHGDH deficiency. Identifiers: Orphanet 79351, MedGen C1866174, MONDO:0011152, OMIM 601815.

Submission:

Labcorp Genetics (formerly Invitae), Labcorp
Classification: Uncertain significance for PHGDH deficiency. Last evaluated: 2022-11-01. Review status: criteria provided, single submitter. Criteria: Invitae Variant Classification Sherloc (09022015). Collection method: clinical testing. Allele origin: germline.
Comment: This sequence change replaces proline, which is neutral and non-polar, with alanine, which is neutral and non-polar, at codon 443 of the PHGDH protein (p.Pro443Ala). This variant is not present in population databases (gnomAD no frequency). This variant has not been reported in the literature in individuals affected with PHGDH-related conditions. ClinVar contains an entry for this variant (Variation ID: 1362766). Advanced modeling of protein sequence and biophysical properties (such as structural, functional, and spatial information, amino acid conservation, physicochemical variation, residue mobility, and thermodynamic stability) has been performed at Invitae for this missense variant, however the output from this modeling did not meet the statistical confidence thresholds required to predict the impact of this variant on PHGDH protein function. In summary, the available evidence is currently insufficient to determine the role of this variant in disease. Therefore, it has been classified as a Variant of Uncertain Significance.

NM_006623.4(PHGDH):c.1327C>G (p.Pro443Ala)

Gene: PHGDH (phosphoglycerate dehydrogenase; plus strand). Cytogenetic location: 1p12.
Variant type: single nucleotide variant.
Coding change: c.1327C>G on transcript NM_006623.4 (MANE Select); coding-DNA position 1327, C replaced by G.
Protein change: p.Pro443Ala; replaces proline 443 with alanine.
Molecular consequence: missense variant.
Genome position (GRCh38, 1-based): chr1:119,742,924, C>G. VCF-style: chr1-119742924-C-G. GRCh37 (hg19) VCF-style: chr1-120285547-C-G.
Other names: short protein forms P443A.
Identifiers: ClinVar variation 1362766 (VCV001362766.3), dbSNP rs1052377436, ClinGen allele CA341853720.